The following is an entry in ClinVar:

ClinVar aggregate classification (germline): Uncertain significance (1 of 4 stars; one submission).

Allele frequency attached by ClinVar (database versions not stated): ExAC 0.00005; gnomAD exomes 0.00001.
gnomAD v4.1: 2 of 1,551,734 alleles (0.00013%); highest among the groups gnomAD compares: Non-Finnish European, 0.00017%; no homozygotes.

Submission:

Labcorp Genetics (formerly Invitae), Labcorp
Classification: Uncertain significance. Last evaluated: 2022-03-10. Review status: criteria provided, single submitter. Criteria: Invitae Variant Classification Sherloc (09022015). Collection method: clinical testing. Allele origin: germline.
Comment: This sequence change replaces serine, which is neutral and polar, with asparagine, which is neutral and polar, at codon 773 of the SLC24A1 protein (p.Ser773Asn). This variant is present in population databases (rs779970058, gnomAD 0.004%). This variant has not been reported in the literature in individuals affected with SLC24A1-related conditions. Algorithms developed to predict the effect of missense changes on protein structure and function output the following: SIFT: "Tolerated"; PolyPhen-2: "Benign"; Align-GVGD: "Class C0". The asparagine amino acid residue is found in multiple mammalian species, which suggests that this missense change does not adversely affect protein function. In summary, the available evidence is currently insufficient to determine the role of this variant in disease. Therefore, it has been classified as a Variant of Uncertain Significance.

NM_004727.3(SLC24A1):c.2318G>A (p.Ser773Asn)

Gene: SLC24A1 (solute carrier family 24 member 1; plus strand). Cytogenetic location: 15q22.31.
Variant type: single nucleotide variant.
Coding change: c.2318G>A on transcript NM_004727.3 (MANE Select); coding-DNA position 2318, G replaced by A.
Protein change: p.Ser773Asn; replaces serine 773 with asparagine.
Molecular consequence: missense variant.
Genome position (GRCh38, 1-based): chr15:65,650,467, G>A. VCF-style: chr15-65650467-G-A. GRCh37 (hg19) VCF-style: chr15-65942805-G-A.
Other names: c.299G>A, p.Ser100Asn (NM_001254740.2); c.2318G>A, p.Ser773Asn (NM_001301031.1); c.2264G>A, p.Ser755Asn (NM_001301032.1, NM_001301033.2); short protein forms S100N, S755N, S773N.
Identifiers: ClinVar variation 1519849 (VCV001519849.3), dbSNP rs779970058, ClinGen allele CA7620127.